The following is an entry in ClinVar:

ClinVar aggregate classification (germline): Uncertain significance. Review status: criteria provided, multiple submitters, no conflicts (2 of 4 stars). 3 submissions from 3 submitters: Uncertain significance (3). Last evaluated 2024-06-17.

Conditions:
Inborn genetic diseases. Identifiers: MedGen C0950123, MeSH D030342.

Allele frequency attached by ClinVar (database versions not stated): gnomAD exomes 0.00003; TOPMed 0.00003; ExAC 0.00004.
gnomAD v4.1: 20 of 1,613,900 alleles (0.0012%); highest among the groups gnomAD compares: East Asian, 0.042%; no homozygotes.

Submissions (3):

Women's Health and Genetics/Laboratory Corporation of America, LabCorp
Classification: Uncertain significance. Last evaluated: 2024-06-17. Review status: criteria provided, single submitter. Criteria: LabCorp Variant Classification Summary - May 2015. Collection method: clinical testing. Allele origin: germline.

Ambry Genetics
Classification: Uncertain significance for Inborn genetic diseases. Last evaluated: 2022-09-07. Review status: criteria provided, single submitter. Criteria: Ambry Variant Classification Scheme 2023. Collection method: clinical testing. Allele origin: germline.

Labcorp Genetics (formerly Invitae), Labcorp
Classification: Uncertain significance. Last evaluated: 2022-07-06. Review status: criteria provided, single submitter. Criteria: Invitae Variant Classification Sherloc (09022015). Collection method: clinical testing. Allele origin: germline.
Comment: This sequence change replaces proline, which is neutral and non-polar, with alanine, which is neutral and non-polar, at codon 1337 of the COL7A1 protein (p.Pro1337Ala). This variant is present in population databases (rs774162615, gnomAD 0.06%). This variant has not been reported in the literature in individuals affected with COL7A1-related conditions. Algorithms developed to predict the effect of missense changes on protein structure and function output the following: SIFT: "Tolerated"; PolyPhen-2: "Not Available"; Align-GVGD: "Class C0". The alanine amino acid residue is found in multiple mammalian species, which suggests that this missense change does not adversely affect protein function. In summary, the available evidence is currently insufficient to determine the role of this variant in disease. Therefore, it has been classified as a Variant of Uncertain Significance.

NM_000094.4(COL7A1):c.4009C>G (p.Pro1337Ala)

Gene: COL7A1 (collagen type VII alpha 1 chain; minus strand). Cytogenetic location: 3p21.31.
Variant type: single nucleotide variant.
Coding change: c.4009C>G on transcript NM_000094.4 (MANE Select); coding-DNA position 4009, C replaced by G.
Protein change: p.Pro1337Ala; replaces proline 1337 with alanine.
Molecular consequence: missense variant.
Genome position (GRCh38, 1-based): chr3:48,584,912, G>C on the plus strand (C>G on the coding strand, the complement: COL7A1 is on the minus strand). VCF-style: chr3-48584912-G-C. GRCh37 (hg19) VCF-style: chr3-48622345-G-C.
Other names: short protein forms P1337A.
Identifiers: ClinVar variation 2148189 (VCV002148189.3), dbSNP rs774162615, ClinGen allele CA2380290.
Genomic context (GRCh38, chr3:48,584,912, plus strand): 5'-ACCCTGTGGAAGAACCCTGGGAAGACACTTAGAGAGCAAAGAAGGGAAGGCACCTTACCG[G>C]GTCCCCACGAGGGCCAGGCAACCCTGGAGAGCCCTGCAAATGGAGGCCAGAGGCAGAACA-3'
Protein context (NP_000085.1, residues 1327-1347): SPGLPGPRGD[Pro1337Ala]GERGPRGPKG